The following is an entry in ClinVar:

ClinVar aggregate classification (germline): Likely benign. Review status: criteria provided, multiple submitters, no conflicts (2 of 4 stars). 3 submissions from 3 submitters: Likely benign (2). 1 of the submissions does not count toward it. Last evaluated 2026-01-27.

Conditions:
CPT1A-related disorder. Also called: CPT1A-related condition.
Carnitine palmitoyl transferase 1A deficiency. Also called: CPT I DEFICIENCY; CPT DEFICIENCY, HEPATIC, TYPE I; Carnitine palmitoyltransferase 1A deficiency; Carnitine palmitoyltransferase type I deficiency; CPT deficiency, hepatic, type IA. Identifiers: Orphanet 156, MedGen C1829703, MONDO:0009705, OMIM 255120.

Allele frequency attached by ClinVar (database versions not stated): gnomAD exomes 0.00002 and 0.00010; ExAC 0.00012; gnomAD 0.00025 and 0.00026; TOPMed 0.00031; 1000 Genomes Project 0.00040; 1000 Genomes Project 30x 0.00047; ESP Exome Variant Server 0.00054.
gnomAD v4.1: 69 of 1,612,748 alleles (0.0043%); highest among the groups gnomAD compares: African/African-American, 0.073%; no homozygotes.

Submissions (3):

Labcorp Genetics (formerly Invitae), Labcorp
Classification: Likely benign for Carnitine palmitoyl transferase 1A deficiency. Last evaluated: 2026-01-27. Review status: criteria provided, single submitter. Criteria: Invitae Variant Classification Sherloc (09022015). Collection method: clinical testing. Allele origin: germline.

PreventionGenetics, part of Exact Sciences
Classification: Likely benign for CPT1A-related condition. Last evaluated: 2025-08-19. Review status: criteria provided, single submitter. Criteria: ACMG Guidelines, 2015. Collection method: clinical testing. Allele origin: germline.
Comment: This variant is classified as likely benign based on ACMG/AMP sequence variant interpretation guidelines (Richards et al. 2015 PMID: 25741868, with internal and published modifications).

Natera, Inc.
Classification: Uncertain significance for Carnitine palmitoyltransferase type I deficiency. Last evaluated: 2020-01-17. Review status: no assertion criteria provided. Collection method: clinical testing. Allele origin: germline. Not counted in ClinVar's aggregate classification.

NM_001876.4(CPT1A):c.693+7C>T

Gene: CPT1A (carnitine palmitoyltransferase 1A; minus strand). Cytogenetic location: 11q13.3.
Variant type: single nucleotide variant.
Coding change: c.693+7C>T on transcript NM_001876.4 (MANE Select); 7 bases into the intron after coding-DNA position 693, C replaced by T.
Molecular consequence: intron variant.
Genome position (GRCh38, 1-based): chr11:68,799,211, G>A on the plus strand (C>T on the coding strand, the complement: CPT1A is on the minus strand). VCF-style: chr11-68799211-G-A. GRCh37 (hg19) VCF-style: chr11-68566679-G-A.
Other names: c.693+7C>T (NM_001031847.3).
Identifiers: ClinVar variation 705914 (VCV000705914.14), dbSNP rs370181471, ClinGen allele CA6152595.